The following is an entry in ClinVar:

ClinVar aggregate classification (germline): Uncertain significance. Review status: criteria provided, multiple submitters, no conflicts (2 of 4 stars). 6 submissions from 6 submitters: Uncertain significance (5). 1 of the submissions does not count toward it. Last evaluated 2026-07-14.

Conditions:
Hereditary cancer-predisposing syndrome. Also called: Hereditary Cancer Syndrome; Neoplastic Syndromes, Hereditary; Hereditary neoplastic syndrome; Tumor predisposition. Identifiers: Orphanet 140162, MedGen C0027672, MeSH D009386, MONDO:0015356.
Breast-ovarian cancer, familial, susceptibility to, 1 (BROVCA1). Also called: BRCA1 Hereditary Breast and Ovarian Cancer; OVARIAN CANCER, SUSCEPTIBILITY TO. Identifiers: Orphanet 145, MedGen C2676676, MONDO:0011450, OMIM 604370. Disease mechanism: loss of function.
Hereditary breast ovarian cancer syndrome. Also called: Hereditary breast and/or ovarian cancer syndrome; Hereditary breast and ovarian cancer syndrome; Hereditary breast and ovarian cancer; Hereditary breast and ovarian cancer syndrome (HBOC); Breast and ovarian cancer; BRCA1- and BRCA2-Associated Hereditary Breast and Ovarian Cancer. Identifiers: Orphanet 145, MedGen C0677776, MeSH D061325, MONDO:0003582. Disease mechanism: loss of function.

Submissions (6):

German Consortium for Hereditary Breast and Ovarian Cancer, University Hospital Cologne
Classification: Uncertain significance for Hereditary breast ovarian cancer syndrome. Last evaluated: 2026-07-14. Review status: criteria provided, single submitter. Criteria: ClinGen BRCA1 1.2.0. Collection method: curation. Allele origin: germline.
Comment: This classification follows the ClinGen ENIGMA BRCA1 v1.2.0 classification scheme; We chose these criteria: PM2 (supporting pathogenic): absent from gnomAD v2/3/4, PP3 (supporting pathogenic): Splice AI: Delta score acceptor loss 0,52, donor loss 0,42

Labcorp Genetics (formerly Invitae), Labcorp
Classification: Uncertain significance for Hereditary breast ovarian cancer syndrome. Last evaluated: 2026-01-28. Review status: criteria provided, single submitter. Criteria: Invitae Variant Classification Sherloc (09022015). Collection method: clinical testing. Allele origin: germline.
Comment: This sequence change replaces glutamic acid, which is acidic and polar, with lysine, which is basic and polar, at codon 203 of the BRCA1 protein (p.Glu203Lys). This variant is not present in population databases (gnomAD no frequency). This variant has not been reported in the literature in individuals affected with BRCA1-related conditions. ClinVar contains an entry for this variant (Variation ID: 91658). Invitae Evidence Modeling of protein sequence and biophysical properties (such as structural, functional, and spatial information, amino acid conservation, physicochemical variation, residue mobility, and thermodynamic stability) indicates that this missense variant is not expected to disrupt BRCA1 protein function with a negative predictive value of 80%. Algorithms developed to predict the effect of sequence changes on RNA splicing suggest that this variant may disrupt the consensus splice site. In summary, the available evidence is currently insufficient to determine the role of this variant in disease. Therefore, it has been classified as a Variant of Uncertain Significance.

Ambry Genetics
Classification: Uncertain significance for Hereditary cancer-predisposing syndrome. Last evaluated: 2025-01-21. Review status: criteria provided, single submitter. Criteria: Ambry Variant Classification Scheme 2023. Collection method: clinical testing. Allele origin: germline.
Comment: The p.E203K variant (also known as c.607G>A), located in coding exon 8 of the BRCA1 gene, results from a G to A substitution at nucleotide position 607. The glutamic acid at codon 203 is replaced by lysine, an amino acid with similar properties. This amino acid position is well conserved in available vertebrate species. In addition, this alteration is predicted to be deleterious by in silico analysis. Based on the available evidence, the clinical significance of this variant remains unclear.

Revvity Omics, Revvity
Classification: Uncertain significance. Last evaluated: 2024-04-03. Review status: criteria provided, single submitter. Criteria: ACMG Guidelines, 2015. Collection method: clinical testing. Allele origin: germline.

Color Diagnostics, LLC DBA Color Health
Classification: Uncertain significance for Hereditary cancer-predisposing syndrome. Last evaluated: 2021-04-14. Review status: criteria provided, single submitter. Criteria: ACMG Guidelines, 2015. Collection method: clinical testing. Allele origin: germline.
Comment: This missense variant replaces glutamic acid with lysine at codon 203 of the BRCA1 protein. Computational prediction is inconclusive regarding the impact of this variant on protein structure and function (internally defined REVEL score threshold 0.5 < inconclusive < 0.7, PMID: 27666373). To our knowledge, functional studies have not been reported for this variant. This variant has not been reported in individuals affected with hereditary cancer in the literature. This variant has not been identified in the general population by the Genome Aggregation Database (gnomAD). The available evidence is insufficient to determine the role of this variant in disease conclusively. Therefore, this variant is classified as a Variant of Uncertain Significance.

Sharing Clinical Reports Project (SCRP)
Classification: Uncertain significance for Breast-ovarian cancer, familial 1. Last evaluated: 2012-02-15. Review status: no assertion criteria provided. Collection method: clinical testing. Allele origin: germline. Not counted in ClinVar's aggregate classification.

NM_007294.4(BRCA1):c.607G>A (p.Glu203Lys)

Gene: BRCA1 (BRCA1 DNA repair associated; minus strand). Cytogenetic location: 17q21.31.
Variant type: single nucleotide variant.
Coding change: c.607G>A on transcript NM_007294.4 (MANE Select); coding-DNA position 607, G replaced by A.
Protein change: p.Glu203Lys; replaces glutamic acid 203 with lysine.
Molecular consequence: missense variant. On other transcripts: non-coding transcript variant (1).
Genome position (GRCh38, 1-based): chr17:43,095,909, C>T on the plus strand (G>A on the coding strand, the complement: BRCA1 is on the minus strand). VCF-style: chr17-43095909-C-T. GRCh37 (hg19) VCF-style: chr17-41247926-C-T.
Other names: 726G>A; c.463G>A, p.Glu155Lys (NM_001407846.1, NM_001407847.1, NM_001407848.1 and 26 more transcripts); c.466G>A, p.Glu156Lys (NM_001407850.1, NM_001407851.1, NM_001407852.1 and 43 more transcripts); c.394G>A, p.Glu132Lys (NM_001407853.1, NM_001407894.1, NM_001407895.1 and 12 more transcripts); c.607G>A, p.Glu203Lys (NM_001407854.1, NM_001407858.1, NM_001407859.1 and 59 more transcripts); c.604G>A, p.Glu202Lys (NM_001407860.1, NM_001407861.1, NM_001407972.1 and 41 more transcripts); c.397G>A, p.Glu133Lys (NM_001407879.1, NM_001407881.1, NM_001407882.1 and 27 more transcripts); c.226G>A, p.Glu76Lys (NM_001407959.1, NM_001407960.1, NM_001407963.1 and 1 more transcripts); and 5 more; short protein forms E203K, E156K, E132K, E177K, E75K, E133K, E158K, E200K.
Identifiers: ClinVar variation 91658 (VCV000091658.21), dbSNP rs398122703, ClinGen allele CA003759.